The following is an entry in ClinVar:

NM_000554.6(CRX):c.575C>A (p.Ala192Asp)

Gene: CRX (cone-rod homeobox; plus strand). Cytogenetic location: 19q13.33.
Variant type: single nucleotide variant.
Coding change: c.575C>A on transcript NM_000554.6 (MANE Select); coding-DNA position 575, C replaced by A.
Protein change: p.Ala192Asp; replaces alanine 192 with aspartic acid.
Molecular consequence: missense variant.
Genome position (GRCh38, 1-based): chr19:47,839,642, C>A. VCF-style: chr19-47839642-C-A. GRCh37 (hg19) VCF-style: chr19-48342899-C-A.
Other names: short protein forms A192D.
Identifiers: ClinVar variation 1984080 (VCV001984080.4), dbSNP rs749287257, ClinGen allele CA9544521.
Genomic context (GRCh38, chr19:47,839,642, plus strand): 5'-CTGAGGCGCAGCGGGCTGGGCTGGTGGCCTCAGGGCCGTCTCTGACCTCCGCCCCCTATG[C>A]CATGACCTACGCCCCGGCCTCCGCTTTCTGCTCTTCCCCCTCCGCCTATGGGTCTCCGAG-3'
Protein context (NP_000545.1, residues 182-202): SGPSLTSAPY[Ala192Asp]MTYAPASAFC

ClinVar aggregate classification (germline): Uncertain significance (1 of 4 stars; one submission).

Conditions:
Cone-rod dystrophy 2 (CORD2). Also called: CONE-ROD RETINAL DYSTROPHY; Cone-rod retinal dystrophy 2. Identifiers: Orphanet 1872, MedGen C3489532, MONDO:0007362, OMIM 120970.
Leber congenital amaurosis 7 (LCA7). Identifiers: Orphanet 65, MedGen C3151192, MONDO:0013449, OMIM 613829.

Allele frequency attached by ClinVar (database versions not stated): ExAC 0.00001; gnomAD exomes 0.00001.
gnomAD v4.1: 3 of 1,613,288 alleles (0.00019%); highest among the groups gnomAD compares: Admixed American, 0.0033%; no homozygotes.

Submission:

Labcorp Genetics (formerly Invitae), Labcorp
Classification: Uncertain significance for Cone-rod dystrophy 2; Leber congenital amaurosis 7. Last evaluated: 2022-09-09. Review status: criteria provided, single submitter. Criteria: Invitae Variant Classification Sherloc (09022015). Collection method: clinical testing. Allele origin: germline.
Comment: This variant is present in population databases (rs749287257, gnomAD 0.006%). This sequence change replaces alanine, which is neutral and non-polar, with aspartic acid, which is acidic and polar, at codon 192 of the CRX protein (p.Ala192Asp). This variant has not been reported in the literature in individuals affected with CRX-related conditions. Advanced modeling of protein sequence and biophysical properties (such as structural, functional, and spatial information, amino acid conservation, physicochemical variation, residue mobility, and thermodynamic stability) performed at Invitae indicates that this missense variant is not expected to disrupt CRX protein function. In summary, the available evidence is currently insufficient to determine the role of this variant in disease. Therefore, it has been classified as a Variant of Uncertain Significance.